The following is an entry in ClinVar:

NM_000732.6(CD3D):c.239A>G (p.Lys80Arg)

Gene: CD3D (CD3 delta subunit of T-cell receptor complex; minus strand). Cytogenetic location: 11q23.3.
Variant type: single nucleotide variant.
Coding change: c.239A>G on transcript NM_000732.6 (MANE Select); coding-DNA position 239, A replaced by G.
Protein change: p.Lys80Arg; replaces lysine 80 with arginine.
Molecular consequence: missense variant.
Genome position (GRCh38, 1-based): chr11:118,340,410, T>C on the plus strand (A>G on the coding strand, the complement: CD3D is on the minus strand). VCF-style: chr11-118340410-T-C. GRCh37 (hg19) VCF-style: chr11-118211125-T-C.
Other names: c.239A>G, p.Lys80Arg (NM_001040651.2); short protein forms K80R.
Identifiers: ClinVar variation 1713613 (VCV001713613.5), dbSNP rs1948288932, ClinGen allele CA382789084.
Genomic context (GRCh38, chr11:118,340,410, plus strand): 5'-CCCAAAGGGTTCAGGAAGCACGTACTTCGATAATGAACTTGCACGGTAGATTCTTTGTCC[T>C]TGTATATATCTGTCCCATTACACCTATATATTCCTCGTGGGTCCAGGATGCGTTTTCCCA-3'
Protein context (NP_000723.1, residues 70-90): IYRCNGTDIY[Lys80Arg]DKESTVQVHY

ClinVar aggregate classification (germline): Uncertain significance (1 of 4 stars; one submission).

Conditions:
Immunodeficiency 19 (IMD19). Also called: IMMUNODEFICIENCY 19, SEVERE COMBINED; CD3-DELTA DEFICIENCY; SEVERE COMBINED IMMUNODEFICIENCY, T CELL-NEGATIVE, B CELL-POSITIVE, NK CELL-POSITIVE; SCID, T CELL-NEGATIVE, B CELL-POSITIVE, NK CELL-POSITIVE. Identifiers: MedGen C3810147, MONDO:0014280, OMIM 615617.

Allele frequency attached by ClinVar (database versions not stated): gnomAD exomes below 0.00001.
gnomAD v4.1: 2 of 1,614,150 alleles (0.00012%); highest among the groups gnomAD compares: Non-Finnish European, 0.00017%; no homozygotes.

Submission:

Labcorp Genetics (formerly Invitae), Labcorp
Classification: Uncertain significance for Immunodeficiency 19. Last evaluated: 2022-12-06. Review status: criteria provided, single submitter. Criteria: Invitae Variant Classification Sherloc (09022015). Collection method: clinical testing. Allele origin: germline.
Comment: This sequence change replaces lysine, which is basic and polar, with arginine, which is basic and polar, at codon 80 of the CD3D protein (p.Lys80Arg). In summary, the available evidence is currently insufficient to determine the role of this variant in disease. Therefore, it has been classified as a Variant of Uncertain Significance. Algorithms developed to predict the effect of sequence changes on RNA splicing suggest that this variant may disrupt the consensus splice site. Algorithms developed to predict the effect of missense changes on protein structure and function (SIFT, PolyPhen-2, Align-GVGD) all suggest that this variant is likely to be tolerated. ClinVar contains an entry for this variant (Variation ID: 1713613). This variant has not been reported in the literature in individuals affected with CD3D-related conditions. This variant is not present in population databases (gnomAD no frequency).